The following is an entry in ClinVar:

ClinVar aggregate classification (germline): Likely benign (1 of 4 stars; one submission).

Allele frequency attached by ClinVar (database versions not stated): 1000 Genomes Project 30x 0.00016; 1000 Genomes Project 0.00020; TOPMed 0.00030; ESP Exome Variant Server 0.00033; gnomAD exomes 0.00041; gnomAD 0.00062; ExAC 0.00064.
gnomAD v4.1: 685 of 1,614,042 alleles (0.042%); highest among the groups gnomAD compares: Non-Finnish European, 0.036%; 2 homozygotes.

Submission:

CeGaT Center for Human Genetics Tuebingen
Classification: Likely benign. Last evaluated: 2022-04-01. Review status: criteria provided, single submitter. Criteria: CeGaT Center For Human Genetics Tuebingen Variant Classification Criteria Version 2. Collection method: clinical testing. Allele origin: germline. Affected: yes. Observed: 1 variant allele.
Comment: MIOS: BP4, BP7

NM_019005.4(MIOS):c.864G>A (p.Arg288=)

Gene: MIOS (meiosis regulator for oocyte development; plus strand). Cytogenetic location: 7p21.3.
Variant type: single nucleotide variant.
Coding change: c.864G>A on transcript NM_019005.4 (MANE Select); coding-DNA position 864, G replaced by A.
Protein change: p.Arg288=; no amino-acid change (arginine 288 retained).
Molecular consequence: synonymous variant. On other transcripts: non-coding transcript variant (1).
Genome position (GRCh38, 1-based): chr7:7,573,339, G>A. VCF-style: chr7-7573339-G-A. GRCh37 (hg19) VCF-style: chr7-7612970-G-A.
Other names: c.864G>A, p.Arg288= (NM_001370076.1, NM_001370077.1, NM_001370078.1 and 1 more transcripts).
Identifiers: ClinVar variation 2657318 (VCV002657318.24), dbSNP rs372901269, ClinGen allele CA4160501.
Genomic context (GRCh38, chr7:7,573,339, plus strand): 5'-ACCCTTAACAAAAGTAGCATGGTGTCCCACTAGGACTGGTCTACTTGCCACTTTAACAAG[G>A]GATAGTAATATTATTAGATTGTATGATATGCAGCATACACCCACTCCCATTGGGGATGAA-3'
Protein context (NP_061878.3, residues 278-298): TRTGLLATLT[Arg288=]DSNIIRLYDM